The following is an entry in ClinVar:

ClinVar aggregate classification (germline): Uncertain significance. Review status: criteria provided, multiple submitters, no conflicts (2 of 4 stars). 2 submissions from 2 submitters: Uncertain significance (2). Last evaluated 2023-06-04.

Submissions (2):

GeneDx
Classification: Uncertain significance. Last evaluated: 2023-06-04. Review status: criteria provided, single submitter. Criteria: GeneDx Variant Classification Process June 2021. Collection method: clinical testing. Allele origin: germline. Affected: yes.
Comment: Not observed at significant frequency in large population cohorts (gnomAD); In silico analysis supports that this missense variant has a deleterious effect on protein structure/function; Has not been previously published as pathogenic or benign to our knowledge

Blueprint Genetics
Classification: Uncertain significance. Last evaluated: 2020-11-19. Review status: criteria provided, single submitter. Criteria: ACMG Guidelines, 2015. Collection method: clinical testing. Allele origin: germline.

NM_000478.6(ALPL):c.393C>A (p.Ser131Arg)

Gene: ALPL (alkaline phosphatase, biomineralization associated; plus strand). Cytogenetic location: 1p36.12.
Variant type: single nucleotide variant.
Coding change: c.393C>A on transcript NM_000478.6 (MANE Select); coding-DNA position 393, C replaced by A.
Protein change: p.Ser131Arg; replaces serine 131 with arginine.
Molecular consequence: missense variant.
Genome position (GRCh38, 1-based): chr1:21,563,205, C>A. VCF-style: chr1-21563205-C-A. GRCh37 (hg19) VCF-style: chr1-21889698-C-A.
Other names: c.228C>A, p.Ser76Arg (NM_001127501.4); c.162C>A, p.Ser54Arg (NM_001177520.3); c.393C>A, p.Ser131Arg (NM_001369803.2, NM_001369804.2, NM_001369805.2); short protein forms S131R, S54R, S76R.
Identifiers: ClinVar variation 3252243 (VCV003252243.2), dbSNP rs2148158625.